The following is an entry in ClinVar:

NM_016824.5(ADD3):c.1639C>T (p.Pro547Ser)

Gene: ADD3 (adducin 3; plus strand). Cytogenetic location: 10q25.2.
Variant type: single nucleotide variant.
Coding change: c.1639C>T on transcript NM_016824.5 (MANE Select); coding-DNA position 1639, C replaced by T.
Protein change: p.Pro547Ser; replaces proline 547 with serine.
Molecular consequence: missense variant.
Genome position (GRCh38, 1-based): chr10:110,130,393, C>T. VCF-style: chr10-110130393-C-T. GRCh37 (hg19) VCF-style: chr10-111890151-C-T.
Other names: c.1639C>T, p.Pro547Ser (NM_001121.4, NM_001320591.2, NM_001320592.2 and 2 more transcripts); c.1405C>T, p.Pro469Ser (NM_001320594.2); short protein forms P547S, P469S.
Identifiers: ClinVar variation 708943 (VCV000708943.13), dbSNP rs148633520, ClinGen allele CA5686682.

ClinVar aggregate classification (germline): Likely benign. Review status: criteria provided, single submitter (1 of 4 stars). 2 submissions from 2 submitters: Likely benign (1). 1 of the submissions does not count toward it. Last evaluated 2025-10-01.

Conditions:
ADD3-related disorder. Also called: ADD3-related condition.

Allele frequency attached by ClinVar (database versions not stated): 1000 Genomes Project 0.00060; ExAC 0.00102; ESP Exome Variant Server 0.00108; 1000 Genomes Project 30x 0.00109; gnomAD exomes 0.00114 and 0.00180; gnomAD 0.00118; TOPMed 0.00190.
gnomAD v4.1: 2,861 of 1,613,786 alleles (0.18%); highest among the groups gnomAD compares: Admixed American, 0.22%; 5 homozygotes.

Submissions (2):

Labcorp Genetics (formerly Invitae), Labcorp
Classification: Likely benign. Last evaluated: 2025-10-01. Review status: criteria provided, single submitter. Criteria: Invitae Variant Classification Sherloc (09022015). Collection method: clinical testing. Allele origin: germline.

PreventionGenetics, part of Exact Sciences
Classification: Likely benign for ADD3-related condition. Last evaluated: 2022-07-14. Review status: no assertion criteria provided. Collection method: clinical testing. Allele origin: germline. Not counted in ClinVar's aggregate classification.
Comment: This variant is classified as likely benign based on ACMG/AMP sequence variant interpretation guidelines (Richards et al. 2015 PMID: 25741868, with internal and published modifications).